The following is an entry in ClinVar:

NM_000252.3(MTM1):c.1505T>A (p.Ile502Lys)

Gene: MTM1 (myotubularin 1; plus strand). Cytogenetic location: Xq28.
Variant type: single nucleotide variant.
Coding change: c.1505T>A on transcript NM_000252.3 (MANE Select); coding-DNA position 1505, T replaced by A.
Protein change: p.Ile502Lys; replaces isoleucine 502 with lysine.
Molecular consequence: missense variant.
Genome position (GRCh38, 1-based): chrX:150,663,470, T>A. VCF-style: chrX-150663470-T-A. GRCh37 (hg19) VCF-style: chrX-149831943-T-A.
Other names: c.1505T>A, p.Ile502Lys (NM_001376906.1, NM_001376908.1); c.1394T>A, p.Ile465Lys (NM_001376907.1); short protein forms I502K, I465K.
Identifiers: ClinVar variation 435904 (VCV000435904.16), dbSNP rs1557414802, ClinGen allele CA415260061.

ClinVar aggregate classification (germline): Pathogenic/Likely pathogenic. Review status: criteria provided, multiple submitters, no conflicts (2 of 4 stars). 2 submissions from 2 submitters: Pathogenic (1); Likely pathogenic (1). Last evaluated 2024-04-25.

Conditions:
Severe X-linked myotubular myopathy (CNMX). Also called: X-linked centronuclear myopathy; Myotubular myopathy, X-linked; MYOTUBULAR MYOPATHY 1. Identifiers: Orphanet 596, MedGen C0410203, MONDO:0010683, OMIM 310400.

Submissions (2):

Labcorp Genetics (formerly Invitae), Labcorp
Classification: Pathogenic for Severe X-linked myotubular myopathy. Last evaluated: 2024-04-25. Review status: criteria provided, single submitter. Criteria: Invitae Variant Classification Sherloc (09022015). Collection method: clinical testing. Allele origin: germline.
Comment: This sequence change replaces isoleucine, which is neutral and non-polar, with lysine, which is basic and polar, at codon 502 of the MTM1 protein (p.Ile502Lys). This variant is not present in population databases (gnomAD no frequency). This missense change has been observed in individual(s) with X-linked myotubular myopathy (PMID: 30902907, 33164942). In at least one individual the variant was observed to be de novo. ClinVar contains an entry for this variant (Variation ID: 435904). Advanced modeling of protein sequence and biophysical properties (such as structural, functional, and spatial information, amino acid conservation, physicochemical variation, residue mobility, and thermodynamic stability) performed at Invitae indicates that this missense variant is expected to disrupt MTM1 protein function with a positive predictive value of 95%. For these reasons, this variant has been classified as Pathogenic.

Genetic Services Laboratory, University of Chicago
Classification: Likely pathogenic. Last evaluated: 2017-09-19. Review status: criteria provided, single submitter. Criteria: ACMG Guidelines, 2015. Collection method: clinical testing. Allele origin: germline. Affected: yes.

Literature cited by the submitters: PubMed 30902907 (cited by Labcorp Genetics (formerly Invitae), Labcorp); PubMed 33164942 (cited by Labcorp Genetics (formerly Invitae), Labcorp).